The following is an entry in ClinVar:

NM_000038.6(APC):c.1408+7C>T

Gene: APC (APC regulator of Wnt signaling pathway; plus strand). Cytogenetic location: 5q22.2.
Variant type: single nucleotide variant.
Coding change: c.1408+7C>T on transcript NM_000038.6 (MANE Select); 7 bases into the intron after coding-DNA position 1408, C replaced by T.
Molecular consequence: intron variant.
Genome position (GRCh38, 1-based): chr5:112,821,998, C>T. VCF-style: chr5-112821998-C-T. GRCh37 (hg19) VCF-style: chr5-112157695-C-T.
Other names: c.1408+7C>T (NM_001354895.2, NM_001127510.3, NM_001354896.2); c.1438+7C>T (NM_001354897.2); c.1135+7C>T (NM_001354902.2); c.1354+7C>T (NM_001127511.3); c.1333+7C>T (NM_001354898.2); c.1030+7C>T (NM_001354904.2); c.559+7C>T (NM_001354906.2); c.1105+7C>T (NM_001354903.2); and 3 more.
Identifiers: ClinVar variation 919829 (VCV000919829.13), dbSNP rs1455904639, ClinGen allele CA645562785.
Genomic context (GRCh38, chr5:112,821,998, plus strand): 5'-TTCTAATGAAACTTTCATTTGATGAAGAGCATAGACATGCAATGAATGAACTAGGTAAGA[C>T]AAAAATGTTTTTTAATGACATAGACAATTACTGGTGGATTTTTAAATCATGGTAGAAATT-3'

ClinVar aggregate classification (germline): Likely benign. Review status: criteria provided, multiple submitters, no conflicts (2 of 4 stars). 3 submissions from 3 submitters: Likely benign (3). Last evaluated 2025-01-24.

Conditions:
Familial adenomatous polyposis 1 (FAP1). Also called: FAMILIAL ADENOMATOUS POLYPOSIS 1, ATTENUATED; POLYPOSIS, ADENOMATOUS INTESTINAL. Identifiers: MedGen C2713442, MONDO:0021056, OMIM 175100. Disease mechanism: loss of function.
Hereditary cancer-predisposing syndrome. Also called: Neoplastic Syndromes, Hereditary; Tumor predisposition; Hereditary Cancer Syndrome; Hereditary neoplastic syndrome. Identifiers: Orphanet 140162, MedGen C0027672, MeSH D009386, MONDO:0015356.

Allele frequency attached by ClinVar (database versions not stated): TOPMed 0.00001.

Submissions (3):

Labcorp Genetics (formerly Invitae), Labcorp
Classification: Likely benign for Familial adenomatous polyposis 1. Last evaluated: 2025-01-24. Review status: criteria provided, single submitter. Criteria: Invitae Variant Classification Sherloc (09022015). Collection method: clinical testing. Allele origin: germline.

Myriad Genetics, Inc.
Classification: Likely benign for Familial adenomatous polyposis 1. Last evaluated: 2024-03-01. Review status: criteria provided, single submitter. Criteria: Myriad Autosomal Dominant, Autosomal Recessive and X-Linked Classification Criteria (2023). Collection method: clinical testing. Allele origin: unknown.
Comment: This variant is considered likely benign. This variant is intronic and is not expected to impact mRNA splicing.

Color Diagnostics, LLC DBA Color Health
Classification: Likely benign for Hereditary cancer-predisposing syndrome. Last evaluated: 2019-04-15. Review status: criteria provided, single submitter. Criteria: ACMG Guidelines, 2015. Collection method: clinical testing. Allele origin: germline.